The following is an entry in ClinVar:

NM_002335.4(LRP5):c.3310G>A (p.Glu1104Lys)

Gene: LRP5 (LDL receptor related protein 5; plus strand). Cytogenetic location: 11q13.2.
Variant type: single nucleotide variant.
Coding change: c.3310G>A on transcript NM_002335.4 (MANE Select); coding-DNA position 3310, G replaced by A.
Protein change: p.Glu1104Lys; replaces glutamic acid 1104 with lysine.
Molecular consequence: missense variant.
Genome position (GRCh38, 1-based): chr11:68,425,175, G>A. VCF-style: chr11-68425175-G-A. GRCh37 (hg19) VCF-style: chr11-68192643-G-A.
Other names: c.1567G>A, p.Glu523Lys (NM_001291902.2); short protein forms E1104K, E523K.
Identifiers: ClinVar variation 1406842 (VCV001406842.8), dbSNP rs767690779, ClinGen allele CA6149946.

ClinVar aggregate classification (germline): Uncertain significance. Review status: criteria provided, multiple submitters, no conflicts (2 of 4 stars). 2 submissions from 2 submitters: Uncertain significance (2). Last evaluated 2025-06-12.

Conditions:
Exudative vitreoretinopathy 4 (EVR4). Identifiers: Orphanet 891, MedGen C1866176, MONDO:0011151, OMIM 601813.
Bone mineral density quantitative trait locus 1 (BMND1). Identifiers: MedGen C1866079, OMIM 601884.
Worth disease. Also called: ENDOSTEAL HYPEROSTOSIS, AUTOSOMAL DOMINANT; OSTEOSCLEROSIS, AUTOSOMAL DOMINANT; Autosomal dominant osteosclerosis, Worth type. Identifiers: Orphanet 2790, MedGen C0432273, MONDO:0007764, OMIM 144750.
Osteoporosis with pseudoglioma (OPPG). Also called: osteoporosis-pseudoglioma syndrome. Identifiers: Orphanet 2788, MedGen C0432252, MONDO:0009820, OMIM 259770.
Polycystic liver disease 4 with or without kidney cysts. Identifiers: MedGen C4693479, MONDO:0044327, OMIM 617875.
Autosomal dominant osteopetrosis 1 (OPTA1). Also called: OSTEOPETROSIS, AUTOSOMAL DOMINANT, TYPE I. Identifiers: Orphanet 2783, MedGen C1843330, MONDO:0011877, OMIM 607634.

Allele frequency attached by ClinVar (database versions not stated): ExAC 0.00001; gnomAD 0.00003 and 0.00004; gnomAD exomes 0.00003 and 0.00004; TOPMed 0.00005.
gnomAD v4.1: 61 of 1,613,586 alleles (0.0038%); highest among the groups gnomAD compares: Non-Finnish European, 0.0047%; no homozygotes.

Submissions (2):

Labcorp Genetics (formerly Invitae), Labcorp
Classification: Uncertain significance. Last evaluated: 2025-06-12. Review status: criteria provided, single submitter. Criteria: Invitae Variant Classification Sherloc (09022015). Collection method: clinical testing. Allele origin: germline.
Comment: This sequence change replaces glutamic acid, which is acidic and polar, with lysine, which is basic and polar, at codon 1104 of the LRP5 protein (p.Glu1104Lys). This variant is present in population databases (rs767690779, gnomAD 0.005%). This missense change has been observed in individual(s) with LRP5-related conditions (PMID: 25711638). ClinVar contains an entry for this variant (Variation ID: 1406842). Invitae Evidence Modeling of protein sequence and biophysical properties (such as structural, functional, and spatial information, amino acid conservation, physicochemical variation, residue mobility, and thermodynamic stability) indicates that this missense variant is not expected to disrupt LRP5 protein function with a negative predictive value of 95%. In summary, the available evidence is currently insufficient to determine the role of this variant in disease. Therefore, it has been classified as a Variant of Uncertain Significance.

Fulgent Genetics
Classification: Uncertain significance for Worth disease; Osteoporosis with pseudoglioma; Exudative vitreoretinopathy 4; Bone mineral density quantitative trait locus 1; Autosomal dominant osteopetrosis 1; Polycystic liver disease 4 with or without kidney cysts. Last evaluated: 2024-05-06. Review status: criteria provided, single submitter. Criteria: ACMG Guidelines, 2015. Collection method: clinical testing. Allele origin: germline.

Literature cited by the submitters: PubMed 25711638 (cited by Labcorp Genetics (formerly Invitae), Labcorp).